The following is an entry in ClinVar:

ClinVar aggregate classification (germline): Pathogenic (1 of 4 stars; one submission).

Conditions:
Schimke immuno-osseous dysplasia (SIOD). Also called: Schimke Immunoosseous Dysplasia. Identifiers: Orphanet 1830, MedGen C0877024, MONDO:0009458, OMIM 242900.

Submission:

Labcorp Genetics (formerly Invitae), Labcorp
Classification: Pathogenic for Schimke immuno-osseous dysplasia. Last evaluated: 2022-11-12. Review status: criteria provided, single submitter. Criteria: Invitae Variant Classification Sherloc (09022015). Collection method: clinical testing. Allele origin: unknown.
Comment: For these reasons, this variant has been classified as Pathogenic. This variant disrupts a region of the SMARCAL1 protein in which other variant(s) (p.Arg764Trp) have been determined to be pathogenic (PMID: 28796785, 29127259; Invitae). This suggests that this is a clinically significant region of the protein, and that variants that disrupt it are likely to be disease-causing. This variant has not been reported in the literature in individuals affected with SMARCAL1-related conditions. This variant is a gross deletion of the genomic region encompassing exon(s) 15 of the SMARCAL1 gene. This variant would be expected to be in-frame, preserving the integrity of the reading frame.

Literature cited by the submitters: PubMed 28796785; PubMed 29127259.

NC_000002.11:g.(?_217339982)_(217340184_?)del

Gene: SMARCAL1 (SNF2 related chromatin remodeling annealing helicase 1; plus strand). Cytogenetic location: 2q35.
Variant type: Deletion.
Identifiers: ClinVar variation 3247219 (VCV003247219.1).